The following is an entry in ClinVar:

NM_001085.5(SERPINA3):c.25G>A (p.Ala9Thr)

Gene: SERPINA3 (serpin family A member 3; plus strand). Cytogenetic location: 14q32.13.
Variant type: single nucleotide variant.
Coding change: c.25G>A on transcript NM_001085.5 (MANE Select); coding-DNA position 25, G replaced by A.
Protein change: p.Ala9Thr; replaces alanine 9 with threonine.
Molecular consequence: missense variant.
Genome position (GRCh38, 1-based): chr14:94,614,466, G>A. VCF-style: chr14-94614466-G-A. GRCh37 (hg19) VCF-style: chr14-95080803-G-A.
Other names: short protein forms A9T.
Identifiers: ClinVar variation 18051 (VCV000018051.7), dbSNP rs4934, ClinGen allele CA127759.

ClinVar aggregate classification (germline): Benign. Review status: criteria provided, multiple submitters, no conflicts (2 of 4 stars). 4 submissions from 4 submitters: Benign (2). 2 of the submissions do not count toward it. Last evaluated 2016-03-28.

Conditions:
ANTICHYMOTRYPSIN SIGNAL PEPTIDE POLYMORPHISM.
SERPINA3-related disorder. Also called: SERPINA3-related condition.

Allele frequency attached by ClinVar (database versions not stated): TOPMed 0.38192; 1000 Genomes Project 30x 0.39210; 1000 Genomes Project 0.39936; ESP Exome Variant Server 0.40220; gnomAD 0.40314 and 0.40808; gnomAD exomes 0.44611 and 0.47585; ExAC 0.44802.
gnomAD v4.1: 756,688 of 1,613,324 alleles (47%); highest among the groups gnomAD compares: East Asian, 60%; 182,455 homozygotes.

Submissions (4):

Laboratory for Molecular Medicine, Mass General Brigham Personalized Medicine
Classification: Benign. Last evaluated: 2016-03-28. Review status: criteria provided, single submitter. Criteria: LMM Criteria. Collection method: clinical testing. Allele origin: germline.
Comment: Variant identified in a genome or exome case(s) and assessed due to predicted null impact of the variant or pathogenic assertions in the literature or databases. Disclaimer: This variant has not undergone full assessment. The following are preliminary notes: MAF

Breakthrough Genomics
Classification: Benign. Review status: criteria provided, single submitter. Criteria: ACMG Guidelines, 2015. Collection method: not provided. Allele origin: germline. Inheritance: Unknown mechanism. Affected: yes.

PreventionGenetics, part of Exact Sciences
Classification: Benign for SERPINA3-related condition. Last evaluated: 2019-10-21. Review status: no assertion criteria provided. Collection method: clinical testing. Allele origin: germline. Not counted in ClinVar's aggregate classification.
Comment: This variant is classified as benign based on ACMG/AMP sequence variant interpretation guidelines (Richards et al. 2015 PMID: 25741868, with internal and published modifications).

OMIM
Classification: Benign for ANTICHYMOTRYPSIN SIGNAL PEPTIDE POLYMORPHISM. Last evaluated: 1997-03-01. Review status: no assertion criteria provided. Collection method: literature only. Allele origin: germline. Not counted in ClinVar's aggregate classification.

Literature cited by the submitters: PubMed 7670501 (cited by OMIM); PubMed 8617509 (cited by OMIM); PubMed 9119413 (cited by OMIM); Haines, J. L., Scott, W. K., Pericak-Vance, M. A. Reply to 'Genetic effect of alpha-1-antichymotrypsin on the risk of Alzheimer disease.' (Letter) Genomics 40: 384-385, 1997. (cited by OMIM).